The following is an entry in ClinVar:

ClinVar aggregate classification (germline): Uncertain significance. Review status: criteria provided, multiple submitters, no conflicts (2 of 4 stars). 2 submissions from 2 submitters: Uncertain significance (2). Last evaluated 2025-01-29.

Conditions:
Inborn genetic diseases. Identifiers: MedGen C0950123, MeSH D030342.

Allele frequency attached by ClinVar (database versions not stated): ExAC 0.00005; gnomAD 0.00005; TOPMed 0.00005; gnomAD exomes 0.00009.
gnomAD v4.1: 133 of 1,613,670 alleles (0.0082%); highest among the groups gnomAD compares: Non-Finnish European, 0.011%; no homozygotes.

Submissions (2):

Labcorp Genetics (formerly Invitae), Labcorp
Classification: Uncertain significance. Last evaluated: 2025-01-29. Review status: criteria provided, single submitter. Criteria: Invitae Variant Classification Sherloc (09022015). Collection method: clinical testing. Allele origin: germline.
Comment: This sequence change replaces asparagine, which is neutral and polar, with threonine, which is neutral and polar, at codon 439 of the MMP14 protein (p.Asn439Thr). This variant is present in population databases (rs563782263, gnomAD 0.009%). This variant has not been reported in the literature in individuals affected with MMP14-related conditions. ClinVar contains an entry for this variant (Variation ID: 1987652). Invitae Evidence Modeling of protein sequence and biophysical properties (such as structural, functional, and spatial information, amino acid conservation, physicochemical variation, residue mobility, and thermodynamic stability) indicates that this missense variant is not expected to disrupt MMP14 protein function with a negative predictive value of 80%. In summary, the available evidence is currently insufficient to determine the role of this variant in disease. Therefore, it has been classified as a Variant of Uncertain Significance.

Ambry Genetics
Classification: Uncertain significance for Inborn genetic diseases. Last evaluated: 2022-05-27. Review status: criteria provided, single submitter. Criteria: Ambry Variant Classification Scheme 2023. Collection method: clinical testing. Allele origin: germline.

NM_004995.4(MMP14):c.1316A>C (p.Asn439Thr)

Gene: MMP14 (matrix metallopeptidase 14; plus strand). Cytogenetic location: 14q11.2.
Variant type: single nucleotide variant.
Coding change: c.1316A>C on transcript NM_004995.4 (MANE Select); coding-DNA position 1316, A replaced by C.
Protein change: p.Asn439Thr; replaces asparagine 439 with threonine.
Molecular consequence: missense variant.
Genome position (GRCh38, 1-based): chr14:22,845,265, A>C. VCF-style: chr14-22845265-A-C. GRCh37 (hg19) VCF-style: chr14-23314474-A-C.
Other names: short protein forms N439T.
Identifiers: ClinVar variation 1987652 (VCV001987652.5), dbSNP rs563782263, ClinGen allele CA7105448.